The following is an entry in ClinVar:

NM_138694.4(PKHD1):c.7192_7215+15del

Gene: PKHD1 (PKHD1 ciliary IPT domain containing fibrocystin/polyductin; minus strand). Cytogenetic location: 6p12.2.
Variant type: Deletion.
Coding change: c.7192_7215+15del on transcript NM_138694.4 (MANE Select); coding-DNA position 7192 through 15 bases into the intron after coding-DNA position 7215, 39 bases deleted.
Molecular consequence: splice donor variant.
Genome position (GRCh38, 1-based): chr6:51,885,852-51,885,890, 39 bases deleted; deleting any 39 consecutive bases within chr6:51,885,852-51,885,893 gives the same sequence; the c. name uses the placement nearest the transcript's 3' end. GRCh37 (hg19): chr6:51,750,653-51,750,691.
Other names: c.7192_7215+15del (NM_170724.3).
Identifiers: ClinVar variation 4871701 (VCV004871701.1).

ClinVar aggregate classification (germline): Pathogenic (1 of 4 stars; one submission).

Conditions:
Polycystic kidney disease 4 (PKD4). Also called: PKD3; Autosomal Recessive Polycystic Kidney Disease – PKHD1; POLYCYSTIC KIDNEY AND HEPATIC DISEASE 1; POLYCYSTIC KIDNEY DISEASE, INFANTILE, TYPE I; POLYCYSTIC KIDNEY DISEASE 4 WITH OR WITHOUT POLYCYSTIC LIVER DISEASE. Identifiers: MedGen C4540575, MONDO:0033004, OMIM 263200.

Submission:

Centro Nacional de Genética Medica, Administración Nacional de Laboratorios e Institutos de Salud (ANLIS) “Dr. Carlos G Malbrán”
Classification: Pathogenic for Polycystic kidney disease 4. Last evaluated: 2025-09-09. Review status: criteria provided, single submitter. Criteria: ACMG Guidelines, 2015. Collection method: clinical testing. Allele origin: germline. Affected: yes. Observed: 1 variant allele.
Comment: The genetic variant PKHD1:c.7192_7215+15del was found in heterozygosity within the canonical transcript NM_138694.4. This variant consists of a deletion of 39 nucleotides: 24 bases from exon 45 and 15 bases from intron 45, including the canonical splice donor site. Alterations in these sites are associated with the creation of aberrant splicing patterns, which can lead to the exclusion of an exon, the inclusion of intronic sequences, or the use of cryptic splice sites with potential frameshifts. This deletion would result in the inclusion of part of intron 45 in the messenger RNA and the appearance of a premature stop codon 4 amino acids upstream of the variant, which generally results in the elimination of the messenger RNA through nonsense-mediated decay (NMD) (PMID: 16757948; PMID: 17352659). Loss-of-function variants are a frequent mechanism of pathogenicity in the PKHD1 gene, with 1215 pathogenic and probably pathogenic variants (PVS1) reported. The variant found is not in population databases such as GnomAD, ExAc, or 1000 Genomes (PM2_Supporting). The patient's phenotype is highly specific for PKD4 syndrome and the variant found in the PKHD1 gene could explain it (PP4).

Literature cited by the submitters: PubMed 16757948; PubMed 17352659.